The following is an entry in ClinVar:

NC_000019.9:g.(?_51850134)_(51869580_?)del

Gene: ETFB (electron transfer flavoprotein subunit beta; minus strand). Cytogenetic location: 19q13.41.
Variant type: Deletion.
Identifiers: ClinVar variation 3248431 (VCV003248431.1).

ClinVar aggregate classification (germline): Pathogenic (1 of 4 stars; one submission).

Conditions:
Multiple acyl-CoA dehydrogenase deficiency (MADD). Also called: ETHYLMALONIC-ADIPICACIDURIA; GA II; Glutaric aciduria, type 2; Glutaric acidemia type II; GA 2; Glutaric Acidemia type 2. Identifiers: Orphanet 26791, MedGen C0268596, MONDO:0009282, OMIM 231680.

Submission:

Labcorp Genetics (formerly Invitae), Labcorp
Classification: Pathogenic for Multiple acyl-CoA dehydrogenase deficiency. Last evaluated: 2023-11-16. Review status: criteria provided, single submitter. Criteria: Invitae Variant Classification Sherloc (09022015). Collection method: clinical testing. Allele origin: unknown.
Comment: This variant is a gross deletion of the genomic region encompassing exon(s) 1-5 of the ETFB gene, which includes the initiator codon. This deletion extends beyond the assayed region for this gene and therefore may encompass additional genes. It is expected to result in an absent or disrupted protein product. Loss-of-function variants in ETFB are known to be pathogenic (PMID: 16510302, 23785301). This variant has not been reported in the literature in individuals affected with ETFB-related conditions. For these reasons, this variant has been classified as Pathogenic.

Literature cited by the submitters: PubMed 16510302; PubMed 23785301.